The following is an entry in ClinVar:

NM_182961.4(SYNE1):c.23991G>A (p.Thr7997=)

Gene: SYNE1 (spectrin repeat containing nuclear envelope protein 1; minus strand). Cytogenetic location: 6q25.2.
Variant type: single nucleotide variant.
Coding change: c.23991G>A on transcript NM_182961.4 (MANE Select); coding-DNA position 23991, G replaced by A.
Protein change: p.Thr7997=; no amino-acid change (threonine 7997 retained).
Molecular consequence: synonymous variant.
Genome position (GRCh38, 1-based): chr6:152,155,030, C>T on the plus strand (G>A on the coding strand, the complement: SYNE1 is on the minus strand). VCF-style: chr6-152155030-C-T. GRCh37 (hg19) VCF-style: chr6-152476165-C-T.
Other names: c.23991G>A (NM_182961.2); c.597G>A, p.Thr199= (NM_001347701.2); c.456G>A, p.Thr152= (NM_001347702.2); c.23778G>A, p.Thr7926= (NM_033071.5).
Identifiers: ClinVar variation 355815 (VCV000355815.14), dbSNP rs572195368, ClinGen allele CA4053281.

ClinVar aggregate classification (germline): Conflicting classifications of pathogenicity. Review status: criteria provided, conflicting classifications (1 of 4 stars). 4 submissions from 3 submitters: Uncertain significance (1); Benign (1); Likely benign (2). Last evaluated 2025-03-05.

Conditions:
Autosomal recessive ataxia, Beauce type. Also called: SYNE1 Deficiency; SYNE1-Related Autosomal Recessive Cerebellar Ataxia; Spinocerebellar ataxia, autosomal recessive 8; ATAXIA, RECESSIVE, OF BEAUCE. Identifiers: Orphanet 88644, MedGen C1853116, MONDO:0012549, OMIM 610743.
Emery-Dreifuss muscular dystrophy 4, autosomal dominant (EDMD4). Also called: EMERY-DREIFUSS MUSCULAR DYSTROPHY 4 WITH VARIABLE FEATURES. Identifiers: Orphanet 261, MedGen C2751807, MONDO:0013071, OMIM 612998.

Allele frequency attached by ClinVar (database versions not stated): gnomAD 0.00001 and 0.00003; TOPMed 0.00003; gnomAD exomes 0.00005 and 0.00006; ExAC 0.00007; 1000 Genomes Project 30x 0.00031; 1000 Genomes Project 0.00040.
gnomAD v4.1: 83 of 1,614,150 alleles (0.0051%); highest among the groups gnomAD compares: East Asian, 0.036%; no homozygotes.

Submissions (4):

Labcorp Genetics (formerly Invitae), Labcorp
Classification: Likely benign for Emery-Dreifuss muscular dystrophy 4, autosomal dominant; Autosomal recessive ataxia, Beauce type. Last evaluated: 2025-03-05. Review status: criteria provided, single submitter. Criteria: Invitae Variant Classification Sherloc (09022015). Collection method: clinical testing. Allele origin: germline.

Athena Diagnostics
Classification: Likely benign. Last evaluated: 2024-11-12. Review status: criteria provided, single submitter. Criteria: Athena Diagnostics Criteria. Collection method: clinical testing. Allele origin: unknown.

Illumina Laboratory Services, Illumina
Classification: Benign for Emery-Dreifuss muscular dystrophy 4, autosomal dominant. Last evaluated: 2018-01-13. Review status: criteria provided, single submitter. Criteria: ICSL Variant Classification Criteria 13 December 2019. Collection method: clinical testing. Allele origin: germline.
Comment: This variant was observed in the ICSL laboratory as part of a predisposition screen in an ostensibly healthy population. It had not been previously curated by ICSL or reported in the Human Gene Mutation Database (HGMD: prior to June 1st, 2018), and was therefore a candidate for classification through an automated scoring system. Utilizing variant allele frequency, disease prevalence and penetrance estimates, and inheritance mode, an automated score was calculated to assess if this variant is too frequent to cause the disease. Based on the score and internal cut-off values, a variant classified as benign is not then subjected to further curation. The score for this variant resulted in a classification of benign for this disease.

Illumina Laboratory Services, Illumina
Classification: Uncertain significance for Autosomal recessive ataxia, Beauce type. Last evaluated: 2018-01-13. Review status: criteria provided, single submitter. Criteria: ICSL Variant Classification Criteria 13 December 2019. Collection method: clinical testing. Allele origin: germline.